The following is an entry in ClinVar:

NM_206933.4(USH2A):c.11389+2dup

Gene: USH2A (usherin; minus strand). Cytogenetic location: 1q41.
Variant type: Duplication.
Coding change: c.11389+2dup on transcript NM_206933.4 (MANE Select); the canonical splice donor site of the intron after coding-DNA position 11389, one base duplicated (T; older notation c.11389+2dupT).
Molecular consequence: splice donor variant.
Genome position (GRCh38, 1-based): chr1:215,758,593, A duplicated on the plus strand (T on the coding strand, the reverse complement: USH2A is on the minus strand). VCF-style (leftmost placement, unchanged base first): chr1-215758592-T-TA. GRCh37 (hg19) VCF-style: chr1-215931934-T-TA.
Other names: c.11389+2dup (NM_206933.2).
Identifiers: ClinVar variation 1039557 (VCV001039557.9), dbSNP rs1414433033, ClinGen allele CA529002328.
Genomic context (GRCh38, chr1:215,758,592, plus strand): 5'-ATCTCTAATTAATTCCTTTAAAATGTTTACACACACACACACATACTTCTTTTTTTTTTT[T>TA]ACCTGGTGGTATCCAAGCTACAAATATAGAATAAGGCCCAATTACTGTGATATTATATGG-3'

ClinVar aggregate classification (germline): Conflicting classifications of pathogenicity. Review status: criteria provided, conflicting classifications (1 of 4 stars). 5 submissions from 5 submitters: Likely pathogenic (3); Uncertain significance (1). 1 of the submissions does not count toward it. Last evaluated 2024-12-04.

Conditions:
USH2A-related disorder. Also called: USH2A-related condition; USH2A-related disorders. Identifiers: MedGen CN239332.
Retinal dystrophy. Also called: Inherited retinal dystrophy. Identifiers: Orphanet 71862, MedGen C0854723, MeSH D058499, MONDO:0019118, HP:0000556.
Retinitis pigmentosa 39 (RP39). Identifiers: Orphanet 791, MedGen C3151138, MONDO:0013436, OMIM 613809.
Usher syndrome type 2A. Also called: RETINAL DISEASE IN USHER SYNDROME TYPE IIA, MODIFIER OF; USHER SYNDROME, TYPE IIA. Identifiers: Orphanet 231178, Orphanet 886, MedGen C1848634, MONDO:0010169, OMIM 276901.

Allele frequency attached by ClinVar (database versions not stated): gnomAD exomes below 0.00001; gnomAD 0.00001.

Submissions (5):

Natera, Inc.
Classification: Likely pathogenic for Usher syndrome type 2A. Last evaluated: 2024-12-04. Review status: criteria provided, single submitter. Criteria: Natera Variant Classification Schema (03/2026). Collection method: clinical testing. Allele origin: germline.
Comment: The c.11389+2dup variant in USH2A is a canonical splice donor site variant predicted to affect pre-mRNA splicing, which may result in an abnormal transcript and altered protein product. This variant is rare in the general population with a frequency below the threshold expected for the associated phenotype(s). This variant has been observed in one or more individuals affected with the associated recessive disease, as either homozygous or compound heterozygous with a second variant (PMID: 34948090, 38219857). Additionally, this variant has been observed to segregate in affected family members (PMID: 38219857). Given the available evidence, this variant is classified as Likely Pathogenic.

Blueprint Genetics
Classification: Likely pathogenic for USH2A-related disorders. Last evaluated: 2023-11-27. Review status: criteria provided, single submitter. Criteria: ACMG Guidelines, 2015. Collection method: clinical testing. Allele origin: germline. Affected: yes. Observed: 4 variant alleles.

Labcorp Genetics (formerly Invitae), Labcorp
Classification: Uncertain significance. Last evaluated: 2022-06-13. Review status: criteria provided, single submitter. Criteria: Invitae Variant Classification Sherloc (09022015). Collection method: clinical testing. Allele origin: germline.
Comment: This sequence change falls in intron 58 of the USH2A gene. It does not directly change the encoded amino acid sequence of the USH2A protein. It affects a nucleotide within the consensus splice site. This variant is present in population databases (no rsID available, gnomAD 0.01%). This variant has been observed in individual(s) with clinical features of Usher syndrome (Invitae). ClinVar contains an entry for this variant (Variation ID: 1039557). Variants that disrupt the consensus splice site are a relatively common cause of aberrant splicing (PMID: 17576681, 9536098). Algorithms developed to predict the effect of sequence changes on RNA splicing suggest that this variant may disrupt the consensus splice site. This variant disrupts the c.11389+3 nucleotide in the USH2A gene. Other variant(s) that disrupt this nucleotide have been determined to be pathogenic (PMID: 28714225; Invitae). This suggests that this nucleotide is clinically significant, and that variants that disrupt this position are likely to be disease-causing. In summary, the available evidence is currently insufficient to determine the role of this variant in disease. Therefore, it has been classified as a Variant of Uncertain Significance.

Baylor Genetics
Classification: Likely pathogenic for Retinitis pigmentosa 39. Last evaluated: 2022-02-16. Review status: criteria provided, single submitter. Criteria: ACMG Guidelines, 2015. Collection method: clinical testing. Allele origin: unknown.

Institute of Human Genetics, Univ. Regensburg, Univ. Regensburg
Classification: Uncertain significance for Retinal dystrophy. Last evaluated: 2017-01-01. Review status: no assertion criteria provided. Criteria: ACMG Guidelines, 2015. Collection method: clinical testing. Allele origin: germline. Affected: yes. Not counted in ClinVar's aggregate classification.

Literature cited by the submitters: PubMed 34948090 (cited by Natera, Inc.); PubMed 38219857 (cited by Natera, Inc.); PubMed 17576681 (cited by Labcorp Genetics (formerly Invitae), Labcorp); PubMed 9536098 (cited by Labcorp Genetics (formerly Invitae), Labcorp); PubMed 28714225 (cited by Labcorp Genetics (formerly Invitae), Labcorp).